The following is an entry in ClinVar:

ClinVar aggregate classification (germline): Conflicting classifications of pathogenicity. Review status: criteria provided, conflicting classifications (1 of 4 stars). 4 submissions from 4 submitters: Uncertain significance (1); Likely benign (2). 1 of the submissions does not count toward it. Last evaluated 2026-01-12.

Conditions:
PIK3C2A-related disorder. Also called: PIK3C2A-related condition.

Allele frequency attached by ClinVar (database versions not stated): gnomAD exomes 0.00012 and 0.00053; 1000 Genomes Project 30x 0.00031; gnomAD 0.00031 and 0.00032; ExAC 0.00036; 1000 Genomes Project 0.00040; TOPMed 0.00057.
gnomAD v4.1: 220 of 1,559,600 alleles (0.014%); highest among the groups gnomAD compares: Admixed American, 0.36%; 1 homozygote.

Submissions (4):

Labcorp Genetics (formerly Invitae), Labcorp
Classification: Likely benign. Last evaluated: 2026-01-12. Review status: criteria provided, single submitter. Criteria: Invitae Variant Classification Sherloc (09022015). Collection method: clinical testing. Allele origin: germline.

Ambry Genetics
Classification: Uncertain significance. Last evaluated: 2025-08-30. Review status: criteria provided, single submitter. Criteria: Ambry Variant Classification Scheme 2023. Collection method: clinical testing. Allele origin: germline.

Breakthrough Genomics
Classification: Likely benign. Review status: criteria provided, single submitter. Criteria: ACMG Guidelines, 2015. Collection method: not provided. Allele origin: germline. Inheritance: Autosomal recessive inheritance. Affected: yes.

PreventionGenetics, part of Exact Sciences
Classification: Likely benign for PIK3C2A-related condition. Last evaluated: 2022-02-11. Review status: no assertion criteria provided. Collection method: clinical testing. Allele origin: germline. Not counted in ClinVar's aggregate classification.
Comment: This variant is classified as likely benign based on ACMG/AMP sequence variant interpretation guidelines (Richards et al. 2015 PMID: 25741868, with internal and published modifications).

NM_002645.4(PIK3C2A):c.2473A>G (p.Thr825Ala)

Gene: PIK3C2A (phosphatidylinositol-4-phosphate 3-kinase catalytic subunit type 2 alpha; minus strand). Cytogenetic location: 11p15.1.
Variant type: single nucleotide variant.
Coding change: c.2473A>G on transcript NM_002645.4 (MANE Select); coding-DNA position 2473, A replaced by G.
Protein change: p.Thr825Ala; replaces threonine 825 with alanine.
Molecular consequence: missense variant.
Genome position (GRCh38, 1-based): chr11:17,122,740, T>C on the plus strand (A>G on the coding strand, the complement: PIK3C2A is on the minus strand). VCF-style: chr11-17122740-T-C. GRCh37 (hg19) VCF-style: chr11-17144287-T-C.
Other names: c.2473A>G, p.Thr825Ala (NM_001321378.2); c.1333A>G, p.Thr445Ala (NM_001321380.2); c.2305A>G, p.Thr769Ala (NM_001386870.1); c.2473A>G (NM_002645.2, NM_001321378.1); short protein forms T445A, T769A, T825A.
Identifiers: ClinVar variation 1593835 (VCV001593835.12), dbSNP rs190640695, ClinGen allele CA5901094.
Genomic context (GRCh38, chr11:17,122,740, plus strand): 5'-ACATGTCAAGAAGTACCATTACCTGTAGCACTATTCTTTCCATGACATATCCTTTTTTGG[T>C]AACTGTTCCAGGAACAGAATTTGTATGTGATGAAGTCCAAAGATATAGAAGTTTAGTTCC-3'
Protein context (NP_002636.2, residues 815-835): SHTNSVPGTV[Thr825Ala]KKGYVMERIV